The following is an entry in ClinVar:

ClinVar aggregate classification (germline): Uncertain significance (1 of 4 stars; one submission).

Conditions:
Neuropathy, hereditary sensory and autonomic, type 2A (HSAN2A). Also called: HSAN IIA; WNK1-Related HSAN2 (HSAN2A); ACROOSTEOLYSIS, GIACCAI TYPE; ACROOSTEOLYSIS, NEUROGENIC; MORVAN DISEASE; NEUROPATHY, CONGENITAL SENSORY. Identifiers: Orphanet 970, MedGen C2752089, MONDO:0024309, OMIM 201300.
Generalized epilepsy with febrile seizures plus, type 7 (GEFSP7). Also called: GEFS+, TYPE 7. Identifiers: Orphanet 36387, MedGen C2751778, MONDO:0013470, OMIM 613863.

Submission:

Labcorp Genetics (formerly Invitae), Labcorp
Classification: Uncertain significance for Neuropathy, hereditary sensory and autonomic, type 2A; Generalized epilepsy with febrile seizures plus, type 7. Last evaluated: 2023-03-27. Review status: criteria provided, single submitter. Criteria: Invitae Variant Classification Sherloc (09022015). Collection method: clinical testing. Allele origin: germline.
Comment: In summary, the available evidence is currently insufficient to determine the role of this variant in disease. Therefore, it has been classified as a Variant of Uncertain Significance. Variants that disrupt the consensus splice site are a relatively common cause of aberrant splicing (PMID: 17576681, 9536098). Algorithms developed to predict the effect of sequence changes on RNA splicing suggest that this variant may disrupt the consensus splice site. This sequence change falls in intron 22 of the SCN9A gene. It does not directly change the encoded amino acid sequence of the SCN9A protein. It affects a nucleotide within the consensus splice site. This variant is not present in population databases (gnomAD no frequency). This variant has not been reported in the literature in individuals affected with SCN9A-related conditions.

Literature cited by the submitters: PubMed 17576681; PubMed 9536098.

NM_001365536.1(SCN9A):c.4206+2dup

Genes: SCN9A (sodium voltage-gated channel alpha subunit 9; minus strand), SCN1A-AS1 (SCN1A and SCN9A antisense RNA 1; plus strand). Cytogenetic location: 2q24.3.
Variant type: Duplication.
Coding change: c.4206+2dup on transcript NM_001365536.1 (MANE Select); the canonical splice donor site of the intron after coding-DNA position 4206, one base duplicated (T; older notation c.4206+2dupT).
Molecular consequence: splice donor variant.
Genome position (GRCh38, 1-based): chr2:166,228,689, A duplicated on the plus strand (T on the coding strand, the reverse complement: SCN9A is on the minus strand). VCF-style (leftmost placement, unchanged base first): chr2-166228688-T-TA. GRCh37 (hg19) VCF-style: chr2-167085198-T-TA.
Other names: c.4173+2dup (NM_002977.4).
Identifiers: ClinVar variation 2945864 (VCV002945864.3), dbSNP rs2468976003, ClinGen allele CA2740095886.
Genomic context (GRCh38, chr2:166,228,688, plus strand): 5'-TAACTTATATCCTTCGTCCAATATCTATTAAAATACCAAGCACTCATGAAATGGGACACT[T>TA]ACAACTTGAAGCAGAGATAGGTAACCAAGTCCGACATTATCAAAGTTCACTTTCAGGTTT-3'